The following is an entry in ClinVar:

ClinVar aggregate classification (germline): Uncertain significance (1 of 4 stars; one submission).

Conditions:
Malignant hyperthermia, susceptibility to, 5 (MHS5). Also called: CACNA1S-Related Malignant Hyperthermia Susceptibility. Identifiers: Orphanet 423, MedGen C1866077, MONDO:0011163, OMIM 601887.

Allele frequency attached by ClinVar (database versions not stated): gnomAD exomes below 0.00001; ExAC 0.00001.
gnomAD v4.1: 1 of 1,613,272 alleles (0.000062%); highest among the groups gnomAD compares: Non-Finnish European, 0.000085%; no homozygotes.

Submission:

All of Us Research Program, National Institutes of Health
Classification: Uncertain significance for Malignant hyperthermia, susceptibility to, 5. Last evaluated: 2023-02-24. Review status: criteria provided, single submitter. Criteria: ACMG Guidelines, 2015. Collection method: clinical testing. Allele origin: germline. Inheritance: Autosomal dominant inheritance. Observed: 1 variant allele, 1 heterozygote.
Comment: This variant causes a G to A nucleotide substitution at the +6 position of intron 39 of the CACNA1S gene. To our knowledge, functional studies have not been reported for this variant. This variant has not been reported in individuals affected with CACNA1S-related disorders in the literature. This variant has been identified in 1/251202 chromosomes in the general population by the Genome Aggregation Database (gnomAD). The available evidence is insufficient to determine the role of this variant in disease conclusively. Therefore, this variant is classified as a Variant of Uncertain Significance.

This study involves interpretation of variants in research participants for the purpose of population health screening. Participant phenotype was not available at the time of variant classification. Additional details can be found in publication PMID: 35346344, PMCID: PMC8962531

NM_000069.3(CACNA1S):c.4797+6G>A

Gene: CACNA1S (calcium voltage-gated channel subunit alpha1 S; minus strand). Cytogenetic location: 1q32.1.
Variant type: single nucleotide variant.
Coding change: c.4797+6G>A on transcript NM_000069.3 (MANE Select); 6 bases into the intron after coding-DNA position 4797, G replaced by A.
Molecular consequence: intron variant.
Genome position (GRCh38, 1-based): chr1:201,044,322, C>T on the plus strand (G>A on the coding strand, the complement: CACNA1S is on the minus strand). VCF-style: chr1-201044322-C-T. GRCh37 (hg19) VCF-style: chr1-201013450-C-T.
Identifiers: ClinVar variation 3069548 (VCV003069548.1), dbSNP rs752376533, ClinGen allele CA083583.